The following is an entry in ClinVar:

NM_014918.5(CHSY1):c.479A>T (p.Tyr160Phe)

Gene: CHSY1 (chondroitin sulfate synthase 1; minus strand). Cytogenetic location: 15q26.3.
Variant type: single nucleotide variant.
Coding change: c.479A>T on transcript NM_014918.5 (MANE Select); coding-DNA position 479, A replaced by T.
Protein change: p.Tyr160Phe; replaces tyrosine 160 with phenylalanine.
Molecular consequence: missense variant.
Genome position (GRCh38, 1-based): chr15:101,235,419, T>A on the plus strand (A>T on the coding strand, the complement: CHSY1 is on the minus strand). VCF-style: chr15-101235419-T-A. GRCh37 (hg19) VCF-style: chr15-101775624-T-A.
Other names: short protein forms Y160F.
Identifiers: ClinVar variation 966703 (VCV000966703.7), dbSNP rs778545156, ClinGen allele CA7762717.
Genomic context (GRCh38, chr15:101,235,419, plus strand): 5'-CGGTCTCCTTTGATGTACACGTCATCATCTGCTCTCATAAACCATTCATACTTGTCCAAG[T>A]AGTGGTCGTGCATGTACTTGAGCATCATGAAGGACTTCTTCTGGGGCGGGTAGGAGTCGT-3'
Protein context (NP_055733.2, residues 150-170): FMMLKYMHDH[Tyr160Phe]LDKYEWFMRA

ClinVar aggregate classification (germline): Uncertain significance. Review status: criteria provided, multiple submitters, no conflicts (2 of 4 stars). 2 submissions from 2 submitters: Uncertain significance (2). Last evaluated 2021-08-24.

Conditions:
Temtamy preaxial brachydactyly syndrome (TPBS). Identifiers: Orphanet 363417, MedGen C1854466, MONDO:0011533, OMIM 605282.

Allele frequency attached by ClinVar (database versions not stated): TOPMed 0.00010; ExAC 0.00021; gnomAD exomes 0.00026.
gnomAD v4.1: 78 of 1,614,044 alleles (0.0048%); highest among the groups gnomAD compares: Admixed American, 0.13%; no homozygotes.

Submissions (2):

Labcorp Genetics (formerly Invitae), Labcorp
Classification: Uncertain significance for Temtamy preaxial brachydactyly syndrome. Last evaluated: 2021-08-24. Review status: criteria provided, single submitter. Criteria: Invitae Variant Classification Sherloc (09022015). Collection method: clinical testing. Allele origin: germline.
Comment: This sequence change replaces tyrosine with phenylalanine at codon 160 of the CHSY1 protein (p.Tyr160Phe). The tyrosine residue is highly conserved and there is a small physicochemical difference between tyrosine and phenylalanine. This variant is present in population databases (rs778545156, ExAC 0.2%). This variant has not been reported in the literature in individuals affected with CHSY1-related conditions. Algorithms developed to predict the effect of missense changes on protein structure and function are either unavailable or do not agree on the potential impact of this missense change (SIFT: "Tolerated"; PolyPhen-2: "Possibly Damaging"; Align-GVGD: "Class C0"). In summary, the available evidence is currently insufficient to determine the role of this variant in disease. Therefore, it has been classified as a Variant of Uncertain Significance.

Breakthrough Genomics
Classification: Uncertain significance. Review status: criteria provided, single submitter. Criteria: ACMG Guidelines, 2015. Collection method: not provided. Allele origin: germline. Inheritance: Autosomal recessive inheritance. Affected: yes.